The following is an entry in ClinVar:

NM_000618.5(IGF1):c.402+1663C>A

Genes: IGF1 (insulin like growth factor 1; minus strand), LINC02456 (long intergenic non-protein coding RNA 2456; plus strand). Cytogenetic location: 12q23.2.
Variant type: single nucleotide variant.
Coding change: c.402+1663C>A on transcript NM_000618.5 (MANE Select); 1663 bases into the intron after coding-DNA position 402, C replaced by A.
Molecular consequence: intron variant. On other transcripts: missense variant (1).
Genome position (GRCh38, 1-based): chr12:102,417,846, G>T on the plus strand (C>A on the coding strand, the complement: IGF1 is on the minus strand). VCF-style: chr12-102417846-G-T. GRCh37 (hg19) VCF-style: chr12-102811624-G-T.
Other names: c.560C>A, p.Ala187Asp (NM_001111285.3); c.451+109C>A (NM_001111283.3); c.354+1663C>A (NM_001111284.2); short protein forms A187D.
Identifiers: ClinVar variation 376935 (VCV000376935.5), dbSNP rs6213, ClinGen allele CA6748511.

ClinVar aggregate classification (germline): Likely benign. Review status: criteria provided, multiple submitters, no conflicts (2 of 4 stars). 3 submissions from 3 submitters: Likely benign (3). Last evaluated 2025-08-18.

Allele frequency attached by ClinVar (database versions not stated): gnomAD exomes 0.00205 and 0.00088; 1000 Genomes Project 30x 0.01046; ExAC 0.00246; gnomAD 0.00850 and 0.00914; 1000 Genomes Project 0.00978; ESP Exome Variant Server 0.00680; TOPMed 0.00973.
gnomAD v4.1: 2,633 of 1,613,700 alleles (0.16%); highest among the groups gnomAD compares: African/African-American, 3%; 47 homozygotes.

Submissions (3):

Genomic Medicine Center of Excellence, King Faisal Specialist Hospital and Research Centre
Classification: Likely benign. Last evaluated: 2025-08-18. Review status: criteria provided, single submitter. Criteria: ACMG Guidelines, 2015. Collection method: clinical testing. Allele origin: germline.

Center for Pediatric Genomic Medicine, Children's Mercy Hospital and Clinics
Classification: Likely benign. Last evaluated: 2017-01-12. Review status: criteria provided, single submitter. Criteria: ACMG Guidelines, 2015. Collection method: clinical testing. Allele origin: germline.
ClinVar note: Converted during submission from Likely Benign to Likely benign.

Breakthrough Genomics
Classification: Likely benign. Review status: criteria provided, single submitter. Criteria: ACMG Guidelines, 2015. Collection method: not provided. Allele origin: germline. Inheritance: Autosomal recessive inheritance. Affected: yes.